The following is an entry in ClinVar:

ClinVar aggregate classification (germline): Benign. Review status: criteria provided, single submitter (1 of 4 stars). 2 submissions from 1 submitter: Benign (2). Last evaluated 2018-01-13.

Conditions:
Brain small vessel disease 1 with or without ocular anomalies (BSVD1). Also called: GOULD SYNDROME 1; PORENCEPHALY, TYPE 1, AUTOSOMAL DOMINANT; BRAIN SMALL VESSEL DISEASE WITH HEMORRHAGE; Brain small vessel disease with or without ocular anomalies. Identifiers: Orphanet 2940, Orphanet 36383, Orphanet 99810, MedGen C4755307, MONDO:0008289, OMIM 175780.
Autosomal dominant familial hematuria-retinal arteriolar tortuosity-contractures syndrome. Also called: Hereditary Angiopathy with Nephropathy, Aneurysms, and Muscle Cramps (HANAC) Syndrome; Angiopathy, hereditary, with nephropathy, aneurysms, and muscle cramps. Identifiers: Orphanet 73229, MedGen C2673195, MONDO:0012726, OMIM 611773.

Allele frequency attached by ClinVar (database versions not stated): TOPMed below 0.00001; gnomAD exomes 0.00001 and 0.00002; ExAC 0.00002.
gnomAD v4.1: 8 of 1,614,186 alleles (0.0005%); highest among the groups gnomAD compares: South Asian, 0.0066%; no homozygotes.

Submissions (2):

Illumina Laboratory Services, Illumina
Classification: Benign for Brain small vessel disease 1 with or without ocular anomalies. Last evaluated: 2018-01-13. Review status: criteria provided, single submitter. Criteria: ICSL Variant Classification Criteria 13 December 2019. Collection method: clinical testing. Allele origin: germline.
Comment: This variant was observed in the ICSL laboratory as part of a predisposition screen in an ostensibly healthy population. It had not been previously curated by ICSL or reported in the Human Gene Mutation Database (HGMD: prior to June 1st, 2018), and was therefore a candidate for classification through an automated scoring system. Utilizing variant allele frequency, disease prevalence and penetrance estimates, and inheritance mode, an automated score was calculated to assess if this variant is too frequent to cause the disease. Based on the score and internal cut-off values, a variant classified as benign is not then subjected to further curation. The score for this variant resulted in a classification of benign for this disease.

Illumina Laboratory Services, Illumina
Classification: Benign for Autosomal dominant familial hematuria-retinal arteriolar tortuosity-contractures syndrome. Last evaluated: 2018-01-13. Review status: criteria provided, single submitter. Criteria: ICSL Variant Classification Criteria 13 December 2019. Collection method: clinical testing. Allele origin: germline.
Comment: the same text as in the submission from Illumina Laboratory Services, Illumina above.

NM_001845.6(COL4A1):c.3082C>T (p.Pro1028Ser)

Gene: COL4A1 (collagen type IV alpha 1 chain; minus strand). Cytogenetic location: 13q34.
Variant type: single nucleotide variant.
Coding change: c.3082C>T on transcript NM_001845.6 (MANE Select); coding-DNA position 3082, C replaced by T.
Protein change: p.Pro1028Ser; replaces proline 1028 with serine.
Molecular consequence: missense variant.
Genome position (GRCh38, 1-based): chr13:110,175,334, G>A on the plus strand (C>T on the coding strand, the complement: COL4A1 is on the minus strand). VCF-style: chr13-110175334-G-A. GRCh37 (hg19) VCF-style: chr13-110827681-G-A.
Other names: short protein forms P1028S.
Identifiers: ClinVar variation 880718 (VCV000880718.6), dbSNP rs778680549, ClinGen allele CA7047385.